The following is an entry in ClinVar:

NM_006397.3(RNASEH2A):c.229G>A (p.Glu77Lys)

Gene: RNASEH2A (ribonuclease H2 subunit A; plus strand). Cytogenetic location: 19p13.13.
Variant type: single nucleotide variant.
Coding change: c.229G>A on transcript NM_006397.3 (MANE Select); coding-DNA position 229, G replaced by A.
Protein change: p.Glu77Lys; replaces glutamic acid 77 with lysine.
Molecular consequence: missense variant.
Genome position (GRCh38, 1-based): chr19:12,807,235, G>A. VCF-style: chr19-12807235-G-A. GRCh37 (hg19) VCF-style: chr19-12918049-G-A.
Other names: short protein forms E77K.
Identifiers: ClinVar variation 1350816 (VCV001350816.5), dbSNP rs771469429, ClinGen allele CA9231803.

ClinVar aggregate classification (germline): Uncertain significance (1 of 4 stars; one submission).

Conditions:
Aicardi-Goutieres syndrome 4. Identifiers: Orphanet 51, MedGen C1835912, MONDO:0012472, OMIM 610333.

Allele frequency attached by ClinVar (database versions not stated): gnomAD exomes below 0.00001; ExAC 0.00001; gnomAD 0.00001; TOPMed 0.00001.
gnomAD v4.1: 2 of 1,614,076 alleles (0.00012%); highest among the groups gnomAD compares: Non-Finnish European, 0.00017%; no homozygotes.

Submission:

Labcorp Genetics (formerly Invitae), Labcorp
Classification: Uncertain significance for Aicardi-Goutieres syndrome 4. Last evaluated: 2021-08-20. Review status: criteria provided, single submitter. Criteria: Invitae Variant Classification Sherloc (09022015). Collection method: clinical testing. Allele origin: germline.
Comment: This sequence change replaces glutamic acid with lysine at codon 77 of the RNASEH2A protein (p.Glu77Lys). The glutamic acid residue is moderately conserved and there is a small physicochemical difference between glutamic acid and lysine. This variant is present in population databases (rs771469429, ExAC 0.001%). This variant has not been reported in the literature in individuals affected with RNASEH2A-related conditions. Algorithms developed to predict the effect of missense changes on protein structure and function are either unavailable or do not agree on the potential impact of this missense change (SIFT: "Deleterious"; PolyPhen-2: "Benign"; Align-GVGD: "Class C0"). In summary, the available evidence is currently insufficient to determine the role of this variant in disease. Therefore, it has been classified as a Variant of Uncertain Significance.